The following is an entry in ClinVar:

ClinVar aggregate classification (germline): Likely pathogenic (1 of 4 stars; one submission).

gnomAD v4.1: 1 of 1,613,694 alleles (0.000062%); highest among the groups gnomAD compares: Non-Finnish European, 0.000085%; no homozygotes.

Submission:

GeneDx
Classification: Likely pathogenic. Last evaluated: 2023-04-18. Review status: criteria provided, single submitter. Criteria: GeneDx Variant Classification Process June 2021. Collection method: clinical testing. Allele origin: germline. Affected: yes.
Comment: Alters the last nucleotide of the exon and is predicted to destroy the splice donor site and result in aberrant splicing, although in the absence of functional evidence the actual effect of this sequence change is unknown; Not observed in large population cohorts (gnomAD); This variant is associated with the following publications: (PMID: 30459467, 29907798)

NM_003482.4(KMT2D):c.8366G>A (p.Arg2789Gln)

Gene: KMT2D (lysine methyltransferase 2D; minus strand). Cytogenetic location: 12q13.12.
Variant type: single nucleotide variant.
Coding change: c.8366G>A on transcript NM_003482.4 (MANE Select); coding-DNA position 8366, G replaced by A.
Protein change: p.Arg2789Gln; replaces arginine 2789 with glutamine.
Molecular consequence: missense variant.
Genome position (GRCh38, 1-based): chr12:49,039,222, C>T on the plus strand (G>A on the coding strand, the complement: KMT2D is on the minus strand). VCF-style: chr12-49039222-C-T. GRCh37 (hg19) VCF-style: chr12-49433005-C-T.
Other names: short protein forms R2789Q.
Identifiers: ClinVar variation 2499952 (VCV002499952.1), dbSNP rs1208681909, ClinGen allele CA384742502.
Genomic context (GRCh38, chr12:49,039,222, plus strand): 5'-CCAACAGTGATAAAATCCATCCCCCTTGGTTTACCCCCAGGGAACCTCCTGGAGCCTCAC[C>T]GGCTGTTCACATCCATAGAGGAAGGCGTGGCTGGTGGAGGTGGCCGGGAGAGTCGGTCAT-3'
Protein context (NP_003473.3, residues 2779-2799): ATPSSMDVNS[Arg2789Gln]QLVGGSQAFY